The following is an entry in ClinVar:

ClinVar aggregate classification (germline): Uncertain significance (1 of 4 stars; one submission).

Submission:

GeneDx
Classification: Uncertain significance. Last evaluated: 2022-04-11. Review status: criteria provided, single submitter. Criteria: GeneDx Variant Classification Process June 2021. Collection method: clinical testing. Allele origin: germline. Affected: yes.
Comment: Not observed at significant frequency in large population cohorts (gnomAD); Initiation codon variant in a gene for which loss-of-function is a known mechanism of disease, however a downstream in-frame Methionine residue is present which, if utilized, may result in a functional protein; Has not been previously published as pathogenic or benign to our knowledge

NM_000455.5(STK11):c.1A>G (p.Met1Val)

Gene: STK11 (serine/threonine kinase 11; plus strand). Cytogenetic location: 19p13.3.
Variant type: single nucleotide variant.
Coding change: c.1A>G on transcript NM_000455.5 (MANE Select); coding-DNA position 1, A replaced by G.
Protein change: p.Met1Val; changes the start codon (methionine 1).
Molecular consequence: missense variant, initiator codon variant.
Genome position (GRCh38, 1-based): chr19:1,206,914, A>G. VCF-style: chr19-1206914-A-G. GRCh37 (hg19) VCF-style: chr19-1206913-A-G.
Other names: c.1A>G, p.Met1Val (NM_001407255.1); short protein forms M1V.
Identifiers: ClinVar variation 1707938 (VCV001707938.3), dbSNP rs2080669644, ClinGen allele CA402942869.